The following is an entry in ClinVar:

NM_201596.3(CACNB2):c.442C>G (p.Leu148Val)

Gene: CACNB2 (calcium voltage-gated channel auxiliary subunit beta 2; plus strand). Cytogenetic location: 10p12.31.
Variant type: single nucleotide variant.
Coding change: c.442C>G on transcript NM_201596.3 (MANE Select); coding-DNA position 442, C replaced by G.
Protein change: p.Leu148Val; replaces leucine 148 with valine.
Molecular consequence: missense variant.
Genome position (GRCh38, 1-based): chr10:18,498,463, C>G. VCF-style: chr10-18498463-C-G. GRCh37 (hg19) VCF-style: chr10-18787392-C-G.
Other names: c.277C>G, p.Leu93Val (NM_000724.4, NM_001330060.2); c.358C>G, p.Leu120Val (NM_001167945.2, NM_201571.4, NM_201572.4); c.298C>G, p.Leu100Val (NM_201570.3); c.280C>G, p.Leu94Val (NM_201590.3); c.442C>G, p.Leu148Val (NM_201593.3, NM_201597.3); short protein forms L94V, L148V, L120V, L100V, L93V.
Identifiers: ClinVar variation 537371 (VCV000537371.9), dbSNP rs1554831400, ClinGen allele CA376056994.
Genomic context (GRCh38, chr10:18,498,463, plus strand): 5'-GCCCATGAAGATGATGTTCCAGTGCCTGGCATGGCCATCTCATTCGAAGCAAAAGATTTT[C>G]TGCATGTTAAGGAAGTAAGGAGAATAATTTCATTTTCTAACAGCATGATGTTTCACCTTG-3'
Protein context (NP_963890.2, residues 138-158): MAISFEAKDF[Leu148Val]HVKEKFNNDW

ClinVar aggregate classification (germline): Uncertain significance. Review status: criteria provided, multiple submitters, no conflicts (2 of 4 stars). 2 submissions from 2 submitters: Uncertain significance (2). Last evaluated 2025-08-28.

Conditions:
Cardiovascular phenotype. Identifiers: MedGen CN230736.
Brugada syndrome 4 (BRGDA4). Identifiers: Orphanet 130, MedGen C2678477, MONDO:0012743, OMIM 611876.

Submissions (2):

Ambry Genetics
Classification: Uncertain significance for Cardiovascular phenotype. Last evaluated: 2025-08-28. Review status: criteria provided, single submitter. Criteria: Ambry Variant Classification Scheme 2023. Collection method: clinical testing. Allele origin: germline.
Comment: The p.L94V variant (also known as c.280C>G), located in coding exon 3 of the CACNB2 gene, results from a C to G substitution at nucleotide position 280. The leucine at codon 94 is replaced by valine, an amino acid with highly similar properties. This amino acid position is conserved. In addition, this alteration is predicted to be deleterious by in silico analysis. Based on the available evidence, the clinical significance of this variant remains unclear.

Labcorp Genetics (formerly Invitae), Labcorp
Classification: Uncertain significance for Brugada syndrome 4. Last evaluated: 2022-10-18. Review status: criteria provided, single submitter. Criteria: Invitae Variant Classification Sherloc (09022015). Collection method: clinical testing. Allele origin: germline.
Comment: Advanced modeling of protein sequence and biophysical properties (such as structural, functional, and spatial information, amino acid conservation, physicochemical variation, residue mobility, and thermodynamic stability) performed at Invitae indicates that this missense variant is expected to disrupt CACNB2 protein function. In summary, the available evidence is currently insufficient to determine the role of this variant in disease. Therefore, it has been classified as a Variant of Uncertain Significance. This sequence change replaces leucine, which is neutral and non-polar, with valine, which is neutral and non-polar, at codon 94 of the CACNB2 protein (p.Leu94Val). This variant is not present in population databases (gnomAD no frequency). This variant has not been reported in the literature in individuals affected with CACNB2-related conditions. ClinVar contains an entry for this variant (Variation ID: 537371).